The following is an entry in ClinVar:

ClinVar aggregate classification (germline): Benign (0 of 4 stars; one submission).

Conditions:
FSIP2-related disorder. Also called: FSIP2-related condition.

Allele frequency attached by ClinVar (database versions not stated): ExAC 0.00082; gnomAD 0.00615; TOPMed 0.00689; 1000 Genomes Project 30x 0.00734; 1000 Genomes Project 0.00759.
gnomAD v4.1: 1,683 of 1,527,204 alleles (0.11%); highest among the groups gnomAD compares: African/African-American, 1.9%; 17 homozygotes.

Submission:

PreventionGenetics, part of Exact Sciences
Classification: Benign for FSIP2-related condition. Last evaluated: 2019-12-18. Review status: no assertion criteria provided. Collection method: clinical testing. Allele origin: germline.
Comment: This variant is classified as benign based on ACMG/AMP sequence variant interpretation guidelines (Richards et al. 2015 PMID: 25741868, with internal and published modifications).

NM_173651.4(FSIP2):c.11065A>G (p.Thr3689Ala)

Gene: FSIP2 (fibrous sheath interacting protein 2; plus strand). Cytogenetic location: 2q32.1.
Variant type: single nucleotide variant.
Coding change: c.11065A>G on transcript NM_173651.4 (MANE Select); coding-DNA position 11065, A replaced by G.
Protein change: p.Thr3689Ala; replaces threonine 3689 with alanine.
Molecular consequence: missense variant.
Genome position (GRCh38, 1-based): chr2:185,800,371, A>G. VCF-style: chr2-185800371-A-G. GRCh37 (hg19) VCF-style: chr2-186665098-A-G.
Other names: short protein forms T3689A.
Identifiers: ClinVar variation 3048367 (VCV003048367.2), dbSNP rs148220213, ClinGen allele CA2016940.